The following is an entry in ClinVar:

NM_001395891.1(CLASP1):c.196-651dup

Genes: CLASP1 (cytoplasmic linker associated protein 1; minus strand), CLASP1-AS1 (CLASP1 antisense RNA 1; plus strand), RNU4ATAC (RNA, U4atac small nuclear; plus strand). Cytogenetic location: 2q14.2.
Variant type: Duplication.
Coding change: c.196-651dup on transcript NM_001395891.1 (MANE Select); 651 bases into the intron before coding-DNA position 196, one base duplicated (A; older notation c.196-651dupA).
Molecular consequence: intron variant.
Genome position (GRCh38, 1-based): chr2:121,530,976, T duplicated on the plus strand (A on the coding strand, the reverse complement: CLASP1 is on the minus strand); the first of 4 consecutive T bases (chr2:121,530,976-121,530,979); duplicating any one gives the same sequence. VCF-style (leftmost placement, unchanged base first): chr2-121530975-C-CT. GRCh37 (hg19) VCF-style: chr2-122288551-C-CT.
Other names: c.196-651dup (NM_001142274.2, NM_015282.3, NM_001378003.1 and 4 more transcripts).
Identifiers: ClinVar variation 1039702 (VCV001039702.7), dbSNP rs752094504, ClinGen allele CA1854734.

ClinVar aggregate classification (germline): Conflicting classifications of pathogenicity. Review status: criteria provided, conflicting classifications (1 of 4 stars). 3 submissions from 2 submitters: Uncertain significance (1); Likely benign (1). 1 of the submissions does not count toward it. Last evaluated 2024-01-19.

Conditions:
RNU4ATAC-related disorder. Also called: RNU4ATAC-related condition.
CLASP1-related disorder. Also called: CLASP1-related condition.

Submissions (3):

PreventionGenetics, part of Exact Sciences
Classification: Likely benign for CLASP1-related condition. Last evaluated: 2024-01-19. Review status: criteria provided, single submitter. Criteria: ACMG Guidelines, 2015. Collection method: clinical testing. Allele origin: germline.
Comment: This variant is classified as likely benign based on ACMG/AMP sequence variant interpretation guidelines (Richards et al. 2015 PMID: 25741868, with internal and published modifications).

Labcorp Genetics (formerly Invitae), Labcorp
Classification: Uncertain significance. Last evaluated: 2023-12-22. Review status: criteria provided, single submitter. Criteria: Invitae Variant Classification Sherloc (09022015). Collection method: clinical testing. Allele origin: germline.
Comment: This variant occurs in the RNU4ATAC gene, which encodes an RNA molecule that does not result in a protein product. This variant is present in population databases (rs752094504, gnomAD 0.2%), and has an allele count higher than expected for a pathogenic variant. This variant has not been reported in the literature in individuals affected with RNU4ATAC-related conditions. ClinVar contains an entry for this variant (Variation ID: 1039702). Experimental studies and prediction algorithms are not available or were not evaluated, and the functional significance of this variant is currently unknown. In summary, the available evidence is currently insufficient to determine the role of this variant in disease. Therefore, it has been classified as a Variant of Uncertain Significance.

PreventionGenetics, part of Exact Sciences
Classification: Likely benign for RNU4ATAC-related condition. Last evaluated: 2024-01-19. Review status: no assertion criteria provided. Collection method: clinical testing. Allele origin: germline. Not counted in ClinVar's aggregate classification.
Comment: the same text as in the submission from PreventionGenetics, part of Exact Sciences above.